The following is an entry in ClinVar:

ClinVar aggregate classification (germline): Uncertain significance. Review status: criteria provided, multiple submitters, no conflicts (2 of 4 stars). 2 submissions from 2 submitters: Uncertain significance (2). Last evaluated 2024-12-10.

Conditions:
Desbuquois dysplasia 1 (DBQD1). Also called: DESBUQUOIS DYSPLASIA 1, KIM VARIANT; MICROMELIC DWARFISM WITH VERTEBRAL AND METAPHYSEAL ABNORMALITIES AND ADVANCED CARPOTARSAL OSSIFICATION. Identifiers: Orphanet 1425, MedGen C4012146, MONDO:0009629, OMIM 251450.
Inborn genetic diseases. Identifiers: MedGen C0950123, MeSH D030342.

Allele frequency attached by ClinVar (database versions not stated): TOPMed 0.00002.
gnomAD v4.1: 105 of 1,614,048 alleles (0.0065%); highest among the groups gnomAD compares: Non-Finnish European, 0.0083%; no homozygotes.

Submissions (2):

Ambry Genetics
Classification: Uncertain significance for Inborn genetic diseases. Last evaluated: 2024-12-10. Review status: criteria provided, single submitter. Criteria: Ambry Variant Classification Scheme 2023. Collection method: clinical testing. Allele origin: germline.

Labcorp Genetics (formerly Invitae), Labcorp
Classification: Uncertain significance for Desbuquois dysplasia 1. Last evaluated: 2021-08-31. Review status: criteria provided, single submitter. Criteria: Invitae Variant Classification Sherloc (09022015). Collection method: clinical testing. Allele origin: germline.
Comment: This sequence change replaces aspartic acid with glutamic acid at codon 472 of the XYLT1 protein (p.Asp472Glu). The aspartic acid residue is highly conserved and there is a small physicochemical difference between aspartic acid and glutamic acid. This variant is present in population databases (rs371420301, ExAC 0.009%). This variant has not been reported in the literature in individuals affected with XYLT1-related conditions. Algorithms developed to predict the effect of missense changes on protein structure and function (SIFT, PolyPhen-2, Align-GVGD) all suggest that this variant is likely to be disruptive. In summary, the available evidence is currently insufficient to determine the role of this variant in disease. Therefore, it has been classified as a Variant of Uncertain Significance.

NM_022166.4(XYLT1):c.1416C>G (p.Asp472Glu)

Gene: XYLT1 (xylosyltransferase 1; minus strand). Cytogenetic location: 16p12.3.
Variant type: single nucleotide variant.
Coding change: c.1416C>G on transcript NM_022166.4 (MANE Select); coding-DNA position 1416, C replaced by G.
Protein change: p.Asp472Glu; replaces aspartic acid 472 with glutamic acid.
Molecular consequence: missense variant.
Genome position (GRCh38, 1-based): chr16:17,141,324, G>C on the plus strand (C>G on the coding strand, the complement: XYLT1 is on the minus strand). VCF-style: chr16-17141324-G-C. GRCh37 (hg19) VCF-style: chr16-17235181-G-C.
Other names: c.1416C>G (NM_022166.3); short protein forms D472E.
Identifiers: ClinVar variation 999154 (VCV000999154.7), dbSNP rs371420301, ClinGen allele CA7927909.